The following is an entry in ClinVar:

NM_024870.4(PREX2):c.2716-2760G>T

Gene: PREX2 (phosphatidylinositol-3,4,5-trisphosphate dependent Rac exchange factor 2; plus strand). Cytogenetic location: 8q13.2.
Variant type: single nucleotide variant.
Coding change: c.2716-2760G>T on transcript NM_024870.4 (MANE Select); 2760 bases into the intron before coding-DNA position 2716, G replaced by T.
Molecular consequence: intron variant. On other transcripts: missense variant (1).
Genome position (GRCh38, 1-based): chr8:68,105,349, G>T. VCF-style: chr8-68105349-G-T. GRCh37 (hg19) VCF-style: chr8-69017584-G-T.
Other names: c.2927G>T, p.Arg976Met (NM_025170.6); short protein forms R976M.
Identifiers: ClinVar variation 3056944 (VCV003056944.2), dbSNP rs35559159, ClinGen allele CA4774194.

ClinVar aggregate classification (germline): Benign (0 of 4 stars; one submission).

Conditions:
PREX2-related disorder. Also called: PREX2-related condition.

Allele frequency attached by ClinVar (database versions not stated): 1000 Genomes Project 30x 0.00390; 1000 Genomes Project 0.00479; gnomAD 0.01164; ExAC 0.01229; TOPMed 0.01260; ESP Exome Variant Server 0.01284; gnomAD exomes 0.01842.
gnomAD v4.1: 24,045 of 1,366,828 alleles (1.8%); highest among the groups gnomAD compares: Non-Finnish European, 2.1%; 251 homozygotes.

Submission:

PreventionGenetics, part of Exact Sciences
Classification: Benign for PREX2-related condition. Last evaluated: 2019-02-28. Review status: no assertion criteria provided. Collection method: clinical testing. Allele origin: germline.
Comment: This variant is classified as benign based on ACMG/AMP sequence variant interpretation guidelines (Richards et al. 2015 PMID: 25741868, with internal and published modifications).